The following is an entry in ClinVar:

NM_024301.5(FKRP):c.980G>A (p.Arg327His)

Gene: FKRP (fukutin related protein; plus strand). Cytogenetic location: 19q13.32.
Variant type: single nucleotide variant.
Coding change: c.980G>A on transcript NM_024301.5 (MANE Select); coding-DNA position 980, G replaced by A.
Protein change: p.Arg327His; replaces arginine 327 with histidine.
Molecular consequence: missense variant.
Genome position (GRCh38, 1-based): chr19:46,756,430, G>A. VCF-style: chr19-46756430-G-A. GRCh37 (hg19) VCF-style: chr19-47259687-G-A.
Other names: c.980G>A, p.Arg327His (NM_001039885.3); short protein forms R327H.
Identifiers: ClinVar variation 1377720 (VCV001377720.5), dbSNP rs747219711, ClinGen allele CA9532220.
Genomic context (GRCh38, chr19:46,756,430, plus strand): 5'-ACCTCTACGAGGAGCGCTGGACGCCCCCCTGCTGCCTGCGCGCGCTGCGCGAGACCGCCC[G>A]CTATGTGGTGGGCGTGCTGGAGGCTGCGGGCGTGCGCTACTGGCTCGAGGGCGGCTCACT-3'
Protein context (NP_077277.1, residues 317-337): CCLRALRETA[Arg327His]YVVGVLEAAG

ClinVar aggregate classification (germline): Uncertain significance (1 of 4 stars; one submission).

Conditions:
Walker-Warburg congenital muscular dystrophy. Also called: Walker-Warburg syndrome; Muscular dystrophy-dystroglycanopathy, type A. Identifiers: Orphanet 899, MedGen C0265221, MONDO:0000171.

Allele frequency attached by ClinVar (database versions not stated): gnomAD 0.00001; gnomAD exomes 0.00001; ExAC 0.00007; 1000 Genomes Project 30x 0.00031.

Submission:

Labcorp Genetics (formerly Invitae), Labcorp
Classification: Uncertain significance for Walker-Warburg congenital muscular dystrophy. Last evaluated: 2022-05-30. Review status: criteria provided, single submitter. Criteria: Invitae Variant Classification Sherloc (09022015). Collection method: clinical testing. Allele origin: germline.
Comment: This sequence change replaces arginine, which is basic and polar, with histidine, which is basic and polar, at codon 327 of the FKRP protein (p.Arg327His). The frequency data for this variant in the population databases is considered unreliable, as metrics indicate poor data quality at this position in the gnomAD database. This variant has not been reported in the literature in individuals affected with FKRP-related conditions. ClinVar contains an entry for this variant (Variation ID: 1377720). Algorithms developed to predict the effect of missense changes on protein structure and function output the following: SIFT: "Tolerated"; PolyPhen-2: "Benign"; Align-GVGD: "Class C0". The histidine amino acid residue is found in multiple mammalian species, which suggests that this missense change does not adversely affect protein function. In summary, the available evidence is currently insufficient to determine the role of this variant in disease. Therefore, it has been classified as a Variant of Uncertain Significance.